The following is an entry in ClinVar:

NM_001199799.2(ILDR1):c.929T>G (p.Phe310Cys)

Gene: ILDR1 (immunoglobulin like domain containing receptor 1; minus strand). Cytogenetic location: 3q13.33.
Variant type: single nucleotide variant.
Coding change: c.929T>G on transcript NM_001199799.2 (MANE Select); coding-DNA position 929, T replaced by G.
Protein change: p.Phe310Cys; replaces phenylalanine 310 with cysteine.
Molecular consequence: missense variant.
Genome position (GRCh38, 1-based): chr3:121,993,820, A>C on the plus strand (T>G on the coding strand, the complement: ILDR1 is on the minus strand). VCF-style: chr3-121993820-A-C. GRCh37 (hg19) VCF-style: chr3-121712667-A-C.
Other names: c.662T>G, p.Phe221Cys (NM_001199800.2); c.797T>G, p.Phe266Cys (NM_175924.4); short protein forms F310C, F221C, F266C.
Identifiers: ClinVar variation 504599 (VCV000504599.6), dbSNP rs199882599, ClinGen allele CA2568788.

ClinVar aggregate classification (germline): Uncertain significance. Review status: criteria provided, multiple submitters, no conflicts (2 of 4 stars). 2 submissions from 2 submitters: Uncertain significance (2). Last evaluated 2022-11-22.

Conditions:
Inborn genetic diseases. Identifiers: MedGen C0950123, MeSH D030342.

Allele frequency attached by ClinVar (database versions not stated): TOPMed 0.00002; gnomAD 0.00006.
gnomAD v4.1: 69 of 1,613,978 alleles (0.0043%); highest among the groups gnomAD compares: Non-Finnish European, 0.00051%; no homozygotes.

Submissions (2):

Ambry Genetics
Classification: Uncertain significance for Inborn genetic diseases. Last evaluated: 2022-11-22. Review status: criteria provided, single submitter. Criteria: Ambry Variant Classification Scheme 2023. Collection method: clinical testing. Allele origin: germline.

Laboratory for Molecular Medicine, Mass General Brigham Personalized Medicine
Classification: Uncertain significance. Last evaluated: 2017-05-31. Review status: criteria provided, single submitter. Criteria: LMM Criteria. Collection method: clinical testing. Allele origin: germline. Observed: 1 variant allele.
Comment: Variant classified as Uncertain Significance - Favor Benign. The p.Phe310Cys var iant in ILDR1 has not been previously reported in individuals with hearing loss, but has been identified in 0.17% (17/10148) of Ashkenazi Jewish chromosomes by the Genome Aggregation Database (gnomAD; dbSNP rs199882599). Although this variant has been seen in the general population, it s frequency is not high enough to rule out a pathogenic role. Computational pre diction tools and conservation analyses suggest that this variant may not impact the protein, though this information is not predictive enough to rule out patho genicity. In summary, while the clinical significance of this variant is uncerta in, these data suggest that it is more likely to be benign.